The following is an entry in ClinVar:

ClinVar aggregate classification (germline): Likely benign (0 of 4 stars; one submission).

Conditions:
SPTBN1-related disorder. Also called: SPTBN1-related condition.

Allele frequency attached by ClinVar (database versions not stated): TOPMed 0.00001; gnomAD 0.00005; gnomAD exomes 0.00007; 1000 Genomes Project 30x 0.00016; ExAC 0.00017.
gnomAD v4.1: 115 of 1,613,542 alleles (0.0071%); highest among the groups gnomAD compares: South Asian, 0.12%; no homozygotes.

Submission:

PreventionGenetics, part of Exact Sciences
Classification: Likely benign for SPTBN1-related condition. Last evaluated: 2022-09-20. Review status: no assertion criteria provided. Collection method: clinical testing. Allele origin: germline.
Comment: This variant is classified as likely benign based on ACMG/AMP sequence variant interpretation guidelines (Richards et al. 2015 PMID: 25741868, with internal and published modifications).

NM_003128.3(SPTBN1):c.4765G>A (p.Glu1589Lys)

Gene: SPTBN1 (spectrin beta, non-erythrocytic 1; plus strand). Cytogenetic location: 2p16.2.
Variant type: single nucleotide variant.
Coding change: c.4765G>A on transcript NM_003128.3 (MANE Select); coding-DNA position 4765, G replaced by A.
Protein change: p.Glu1589Lys; replaces glutamic acid 1589 with lysine.
Molecular consequence: missense variant.
Genome position (GRCh38, 1-based): chr2:54,646,374, G>A. VCF-style: chr2-54646374-G-A. GRCh37 (hg19) VCF-style: chr2-54873511-G-A.
Other names: c.4726G>A, p.Glu1576Lys (NM_178313.3); short protein forms E1576K, E1589K.
Identifiers: ClinVar variation 3030068 (VCV003030068.2), dbSNP rs752020828, ClinGen allele CA1661162.